The following is an entry in ClinVar:

ClinVar aggregate classification (germline): Pathogenic (1 of 4 stars; one submission).

Conditions:
Neurofibromatosis, type 1 (NF1). Also called: NEUROFIBROMATOSIS, TYPE I, SOMATIC; Peripheral type neurofibromatosis; Neurofibromatosis, type I; VON RECKLINGHAUSEN DISEASE. Identifiers: Orphanet 636, MedGen C0027831, MONDO:0018975, OMIM 162200. Disease mechanism: loss of function.

Submission:

Labcorp Genetics (formerly Invitae), Labcorp
Classification: Pathogenic for Neurofibromatosis, type 1. Last evaluated: 2024-12-06. Review status: criteria provided, single submitter. Criteria: Invitae Variant Classification Sherloc (09022015). Collection method: clinical testing. Allele origin: germline.
Comment: This sequence change creates a premature translational stop signal (p.Ile2108Asnfs*14) in the NF1 gene. It is expected to result in an absent or disrupted protein product. Loss-of-function variants in NF1 are known to be pathogenic (PMID: 10712197, 23913538). This variant is not present in population databases (gnomAD no frequency). This variant has not been reported in the literature in individuals affected with NF1-related conditions. For these reasons, this variant has been classified as Pathogenic.

Literature cited by the submitters: PubMed 10712197; PubMed 23913538.

NM_001042492.3(NF1):c.6385dup (p.Ile2129fs)

Gene: NF1 (neurofibromin 1; plus strand). Cytogenetic location: 17q11.2.
Variant type: Duplication.
Coding change: c.6385dup on transcript NM_001042492.3 (MANE Select); coding-DNA position 6385, one base duplicated (A; older notation c.6385dupA).
Protein change: p.Ile2129fs; shifts the reading frame from isoleucine 2129.
Molecular consequence: frameshift variant.
Genome position (GRCh38, 1-based): chr17:31,336,872, A duplicated. VCF-style (leftmost placement, unchanged base first): chr17-31336871-T-TA. GRCh37 (hg19) VCF-style: chr17-29663889-T-TA.
Other names: c.6322dup, p.Ile2108Asnfs (NM_000267.4); short protein forms I2108fs, I2129fs.
Identifiers: ClinVar variation 3726585 (VCV003726585.2).